The following is an entry in ClinVar:

NM_018238.4(AGK):c.472A>G (p.Ser158Gly)

Gene: AGK (acylglycerol kinase; plus strand). Cytogenetic location: 7q34.
Variant type: single nucleotide variant.
Coding change: c.472A>G on transcript NM_018238.4 (MANE Select); coding-DNA position 472, A replaced by G.
Protein change: p.Ser158Gly; replaces serine 158 with glycine.
Molecular consequence: missense variant.
Genome position (GRCh38, 1-based): chr7:141,615,519, A>G. VCF-style: chr7-141615519-A-G. GRCh37 (hg19) VCF-style: chr7-141315319-A-G.
Other names: c.472A>G, p.Ser158Gly (NM_001364948.3); short protein forms S158G.
Identifiers: ClinVar variation 1378989 (VCV001378989.5), dbSNP rs888790526, ClinGen allele CA168068014.

ClinVar aggregate classification (germline): Uncertain significance (1 of 4 stars; one submission).

Conditions:
Sengers syndrome. Also called: MITOCHONDRIAL DNA DEPLETION SYNDROME 10 (CARDIOMYOPATHIC TYPE); Cardiomyopathy and cataract. Identifiers: Orphanet 1369, MedGen C1859317, MONDO:0008922, OMIM 212350.
Cataract 38. Also called: Cataract, autosomal recessive congenital 5; Cataract 38, autosomal recessive. Identifiers: Orphanet 91492, MedGen C3553494, MONDO:0013859, OMIM 614691.

Allele frequency attached by ClinVar (database versions not stated): gnomAD exomes below 0.00001.
gnomAD v4.1: 2 of 1,614,020 alleles (0.00012%); highest among the groups gnomAD compares: Non-Finnish European, 0.00017%; no homozygotes.

Submission:

Labcorp Genetics (formerly Invitae), Labcorp
Classification: Uncertain significance for Sengers syndrome; Cataract 38. Last evaluated: 2022-11-15. Review status: criteria provided, single submitter. Criteria: Invitae Variant Classification Sherloc (09022015). Collection method: clinical testing. Allele origin: germline.
Comment: In summary, the available evidence is currently insufficient to determine the role of this variant in disease. Therefore, it has been classified as a Variant of Uncertain Significance. Advanced modeling of protein sequence and biophysical properties (such as structural, functional, and spatial information, amino acid conservation, physicochemical variation, residue mobility, and thermodynamic stability) performed at Invitae indicates that this missense variant is not expected to disrupt AGK protein function. ClinVar contains an entry for this variant (Variation ID: 1378989). This variant has not been reported in the literature in individuals affected with AGK-related conditions. This variant is not present in population databases (gnomAD no frequency). This sequence change replaces serine, which is neutral and polar, with glycine, which is neutral and non-polar, at codon 158 of the AGK protein (p.Ser158Gly).